The following is an entry in ClinVar:

ClinVar aggregate classification (germline): Uncertain significance. Review status: criteria provided, multiple submitters, no conflicts (2 of 4 stars). 2 submissions from 2 submitters: Uncertain significance (2). Last evaluated 2024-01-18.

Conditions:
Hypertrophic cardiomyopathy 14. Identifiers: MedGen C2750467, MONDO:0013197, OMIM 613251.
Cardiovascular phenotype. Identifiers: MedGen CN230736.

Submissions (2):

Labcorp Genetics (formerly Invitae), Labcorp
Classification: Uncertain significance for Hypertrophic cardiomyopathy 14. Last evaluated: 2024-01-18. Review status: criteria provided, single submitter. Criteria: Invitae Variant Classification Sherloc (09022015). Collection method: clinical testing. Allele origin: germline.
Comment: This sequence change replaces leucine, which is neutral and non-polar, with proline, which is neutral and non-polar, at codon 259 of the MYH6 protein (p.Leu259Pro). This variant is not present in population databases (gnomAD no frequency). This variant has not been reported in the literature in individuals affected with MYH6-related conditions. ClinVar contains an entry for this variant (Variation ID: 1760548). Advanced modeling of protein sequence and biophysical properties (such as structural, functional, and spatial information, amino acid conservation, physicochemical variation, residue mobility, and thermodynamic stability) performed at Invitae indicates that this missense variant is expected to disrupt MYH6 protein function with a positive predictive value of 80%. In summary, the available evidence is currently insufficient to determine the role of this variant in disease. Therefore, it has been classified as a Variant of Uncertain Significance.

Ambry Genetics
Classification: Uncertain significance for Cardiovascular phenotype. Last evaluated: 2022-04-06. Review status: criteria provided, single submitter. Criteria: Ambry Variant Classification Scheme 2023. Collection method: clinical testing. Allele origin: germline.
Comment: The p.L259P variant (also known as c.776T>C), located in coding exon 7 of the MYH6 gene, results from a T to C substitution at nucleotide position 776. The leucine at codon 259 is replaced by proline, an amino acid with similar properties. This amino acid position is conserved. In addition, this alteration is predicted to be deleterious by in silico analysis. Since supporting evidence is limited at this time, the clinical significance of this alteration remains unclear.

NM_002471.4(MYH6):c.776T>C (p.Leu259Pro)

Gene: MYH6 (myosin heavy chain 6; minus strand). Cytogenetic location: 14q11.2.
Variant type: single nucleotide variant.
Coding change: c.776T>C on transcript NM_002471.4 (MANE Select); coding-DNA position 776, T replaced by C.
Protein change: p.Leu259Pro; replaces leucine 259 with proline.
Molecular consequence: missense variant.
Genome position (GRCh38, 1-based): chr14:23,403,738, A>G on the plus strand (T>C on the coding strand, the complement: MYH6 is on the minus strand). VCF-style: chr14-23403738-A-G. GRCh37 (hg19) VCF-style: chr14-23872947-A-G.
Other names: short protein forms L259P.
Identifiers: ClinVar variation 1760548 (VCV001760548.5), dbSNP rs2502202180, ClinGen allele CA389028618.